The following is an entry in ClinVar:

ClinVar aggregate classification (germline): Pathogenic/Likely pathogenic. Review status: criteria provided, multiple submitters, no conflicts (2 of 4 stars). 4 submissions from 4 submitters: Pathogenic (1); Likely pathogenic (2). 1 of the submissions does not count toward it. Last evaluated 2025-06-16.

Conditions:
Alport syndrome. Also called: Hemorrhagic familial nephritis; Hemorrhagic hereditary nephritis; Congenital hereditary hematuria. Identifiers: Orphanet 63, MedGen C1567741, MONDO:0018965.
X-linked Alport syndrome (ATS1). Also called: COL4A5-Related Nephropathy; NEPHROPATHY AND DEAFNESS, X-LINKED. Identifiers: Orphanet 63, Orphanet 88917, MedGen C4746986, MONDO:0010520, OMIM 301050.

Allele frequency attached by ClinVar (database versions not stated): gnomAD exomes below 0.00001.
gnomAD v4.1: 1 of 1,210,908 alleles (0.000083%); highest among the groups gnomAD compares: Non-Finnish European, 0.00011%; no homozygotes.

Submissions (4):

Centre de Génétique Humaine, Institut de Pathologie Et de Génétique
Classification: Likely pathogenic for X-linked Alport syndrome. Last evaluated: 2025-06-16. Review status: criteria provided, single submitter. Criteria: ACMG Guidelines, 2015. Collection method: clinical testing. Allele origin: paternal, maternal, germline. Inheritance: X-linked dominant inheritance. Affected: yes. Observed: 5 variant alleles, 5 heterozygotes. Clinical features observed: Microscopic hematuria (HP:0002907), Sensorineural hearing loss disorder (HP:0000407), Stage 2 chronic kidney disease (HP:0012624), Hypertensive disorder (HP:0000822). Segregation with disease observed.
Comment: This missense variant involves a highly conserved glycine located in a ‘Gly-X-Y’ motif in a non-collagenous/ collagenous boundary region (PM1,PP2). This variant is rare: allelic frequency of 0.000082% in gnomAD v4.1.0 database (PM2). In silico analysis supports that this missense variant has a deleterious effect (PP3). Described as LP/P in ClinVar and in patiens with X-linked AS (PP5)

Labcorp Genetics (formerly Invitae), Labcorp
Classification: Pathogenic. Last evaluated: 2023-06-24. Review status: criteria provided, single submitter. Criteria: Invitae Variant Classification Sherloc (09022015). Collection method: clinical testing. Allele origin: germline.
Comment: This sequence change replaces glycine, which is neutral and non-polar, with aspartic acid, which is acidic and polar, at codon 548 of the COL4A5 protein (p.Gly548Asp). This variant is not present in population databases (gnomAD no frequency). This missense change has been observed in individuals with Alport syndrome (PMID: 19919694, 20378821). ClinVar contains an entry for this variant (Variation ID: 24432). Advanced modeling of protein sequence and biophysical properties (such as structural, functional, and spatial information, amino acid conservation, physicochemical variation, residue mobility, and thermodynamic stability) performed at Invitae indicates that this missense variant is expected to disrupt COL4A5 protein function. Algorithms developed to predict the effect of sequence changes on RNA splicing suggest that this variant may create or strengthen a splice site. For these reasons, this variant has been classified as Pathogenic.

Molecular Biology Laboratory, Fundació Puigvert
Classification: Likely pathogenic for X-linked Alport syndrome. Last evaluated: 2020-02-01. Review status: criteria provided, single submitter. Criteria: ACMG Guidelines, 2015. Collection method: research. Allele origin: germline. Affected: yes. Study: KidneyPanel_2020.

Sydney Genome Diagnostics, Children's Hospital Westmead
Classification: Pathogenic for Alport syndrome. Last evaluated: 2018-09-06. Review status: no assertion criteria provided. Collection method: clinical testing. Allele origin: unknown. Affected: yes. Observed: 1 variant allele, 1 heterozygote. Not counted in ClinVar's aggregate classification.
Comment: This variant results in the substitution of one of the invariant glycine residues in the triple helical domain of type IV collagen and is considered to be pathogenic.

Literature cited by the submitters: PubMed 19919694 (cited by Centre de Génétique Humaine, Institut de Pathologie Et de Génétique and Labcorp Genetics (formerly Invitae), Labcorp); PubMed 2037882 (cited by Centre de Génétique Humaine, Institut de Pathologie Et de Génétique); PubMed 33532864 (cited by Centre de Génétique Humaine, Institut de Pathologie Et de Génétique and Molecular Biology Laboratory, Fundació Puigvert); PubMed 20378821 (cited by Labcorp Genetics (formerly Invitae), Labcorp).

NM_033380.3(COL4A5):c.1643G>A (p.Gly548Asp)

Gene: COL4A5 (collagen type IV alpha 5 chain; plus strand). Cytogenetic location: Xq22.3.
Variant type: single nucleotide variant.
Coding change: c.1643G>A on transcript NM_033380.3 (MANE Select); coding-DNA position 1643, G replaced by A.
Protein change: p.Gly548Asp; replaces glycine 548 with aspartic acid.
Molecular consequence: missense variant.
Genome position (GRCh38, 1-based): chrX:108,597,432, G>A. VCF-style: chrX-108597432-G-A. GRCh37 (hg19) VCF-style: chrX-107840662-G-A.
Other names: p.(Gly548Asp); c.1643G>A, p.Gly548Asp (NM_000495.5); short protein forms G548D.
Identifiers: ClinVar variation 24432 (VCV000024432.16), dbSNP rs281874673, ClinGen allele CA258512.